The following is an entry in ClinVar:

NM_001098668.4(SFTPA2):c.-23-162G>C

Gene: SFTPA2 (surfactant protein A2; minus strand). Cytogenetic location: 10q22.3.
Variant type: single nucleotide variant.
Coding change: c.-23-162G>C on transcript NM_001098668.4 (MANE Select); 162 bases into the intron before 23 bases upstream of the start codon, G replaced by C.
Molecular consequence: intron variant.
Genome position (GRCh38, 1-based): chr10:79,559,668, C>G on the plus strand (G>C on the coding strand, the complement: SFTPA2 is on the minus strand). VCF-style: chr10-79559668-C-G. GRCh37 (hg19) VCF-style: chr10-81319424-C-G.
Other names: c.-26-159G>C (NM_001320813.2); c.7+7G>C (NM_001320814.1).
Identifiers: ClinVar variation 3052189 (VCV003052189.2), dbSNP rs570952644, ClinGen allele CA5574282.
Genomic context (GRCh38, chr10:79,559,668, plus strand): 5'-GGCGGGCGAGACCAGAGTGCTGGGAAGACCCGAAGCACCCGGGAAAATTCCAAGCATCAC[C>G]TGGCACCTGGCATGGCCTCATGCTTCAGGCCTCCGGCTGGAGGTTGTGGGGTCTCAAGAC-3'

ClinVar aggregate classification (germline): Likely benign (0 of 4 stars; one submission).

Conditions:
SFTPA2-related disorder. Also called: SFTPA2-related condition.

Allele frequency attached by ClinVar (database versions not stated): gnomAD 0.00002; gnomAD exomes 0.00002; ExAC 0.00009; 1000 Genomes Project 0.00040; 1000 Genomes Project 30x 0.00078.
gnomAD v4.1: 26 of 1,552,700 alleles (0.0017%); highest among the groups gnomAD compares: South Asian, 0.03%; no homozygotes.

Submission:

PreventionGenetics, part of Exact Sciences
Classification: Likely benign for SFTPA2-related condition. Last evaluated: 2020-01-24. Review status: no assertion criteria provided. Collection method: clinical testing. Allele origin: germline.
Comment: This variant is classified as likely benign based on ACMG/AMP sequence variant interpretation guidelines (Richards et al. 2015 PMID: 25741868, with internal and published modifications).